The following is an entry in ClinVar:

ClinVar aggregate classification (germline): Uncertain significance (1 of 4 stars; one submission).

gnomAD v4.1: 7 of 1,614,016 alleles (0.00043%); highest among the groups gnomAD compares: African/African-American, 0.0013%; no homozygotes.

Submission:

CeGaT Center for Human Genetics Tuebingen
Classification: Uncertain significance. Last evaluated: 2026-09-01. Review status: criteria provided, single submitter. Criteria: CeGaT Center For Human Genetics Tuebingen Variant Classification Criteria Version 2. Collection method: clinical testing. Allele origin: germline. Affected: yes. Observed: 1 variant allele.
Comment: SCN4A: PP3

NM_000334.4(SCN4A):c.4562C>A (p.Thr1521Asn)

Genes: GH-LCR (growth hormone locus control region; plus strand), SCN4A (sodium voltage-gated channel alpha subunit 4; minus strand). Cytogenetic location: 17q23.3.
Variant type: single nucleotide variant.
Coding change: c.4562C>A on transcript NM_000334.4 (MANE Select); coding-DNA position 4562, C replaced by A.
Protein change: p.Thr1521Asn; replaces threonine 1521 with asparagine.
Molecular consequence: missense variant.
Genome position (GRCh38, 1-based): chr17:63,941,720, G>T on the plus strand (C>A on the coding strand, the complement: SCN4A is on the minus strand). VCF-style: chr17-63941720-G-T. GRCh37 (hg19) VCF-style: chr17-62019080-G-T.
Other names: short protein forms T1521N.
Identifiers: ClinVar variation 5041495 (VCV005041495.1).